The following is an entry in ClinVar:

NM_000038.6(APC):c.7521C>G (p.Leu2507=)

Gene: APC (APC regulator of Wnt signaling pathway; plus strand). Cytogenetic location: 5q22.2.
Variant type: single nucleotide variant.
Coding change: c.7521C>G on transcript NM_000038.6 (MANE Select); coding-DNA position 7521, C replaced by G.
Protein change: p.Leu2507=; no amino-acid change (leucine 2507 retained).
Molecular consequence: synonymous variant.
Genome position (GRCh38, 1-based): chr5:112,843,115, C>G. VCF-style: chr5-112843115-C-G. GRCh37 (hg19) VCF-style: chr5-112178812-C-G.
Other names: c.7521C>G, p.Leu2507= (NM_001127510.3, NM_001354895.2); c.7467C>G, p.Leu2489= (NM_001127511.3); c.7575C>G, p.Leu2525= (NM_001354896.2); c.7551C>G, p.Leu2517= (NM_001354897.2); c.7446C>G, p.Leu2482= (NM_001354898.2); c.7437C>G, p.Leu2479= (NM_001354899.2); c.7398C>G, p.Leu2466= (NM_001354900.2); c.7344C>G, p.Leu2448= (NM_001354901.2); and 5 more.
Identifiers: ClinVar variation 827100 (VCV000827100.15), dbSNP rs1580683631, ClinGen allele CA446210871.

ClinVar aggregate classification (germline): Benign/Likely benign. Review status: criteria provided, multiple submitters, no conflicts (2 of 4 stars). 4 submissions from 4 submitters: Benign (1); Likely benign (3). Last evaluated 2024-08-06.

Conditions:
Familial adenomatous polyposis 1 (FAP1). Also called: POLYPOSIS, ADENOMATOUS INTESTINAL; FAMILIAL ADENOMATOUS POLYPOSIS 1, ATTENUATED. Identifiers: MedGen C2713442, MONDO:0021056, OMIM 175100. Disease mechanism: loss of function.
Hereditary cancer-predisposing syndrome. Also called: Neoplastic Syndromes, Hereditary; Tumor predisposition; Hereditary neoplastic syndrome; Hereditary Cancer Syndrome. Identifiers: Orphanet 140162, MedGen C0027672, MeSH D009386, MONDO:0015356.

Allele frequency attached by ClinVar (database versions not stated): TOPMed below 0.00001.

Submissions (4):

Labcorp Genetics (formerly Invitae), Labcorp
Classification: Likely benign for Familial adenomatous polyposis 1. Last evaluated: 2024-08-06. Review status: criteria provided, single submitter. Criteria: Invitae Variant Classification Sherloc (09022015). Collection method: clinical testing. Allele origin: germline.

Myriad Genetics, Inc.
Classification: Benign for Familial adenomatous polyposis 1. Last evaluated: 2024-04-09. Review status: criteria provided, single submitter. Criteria: Myriad Autosomal Dominant, Autosomal Recessive and X-Linked Classification Criteria (2023). Collection method: clinical testing. Allele origin: unknown.
Comment: This variant is considered benign. This variant is a silent/synonymous amino acid change and it is not expected to impact splicing.

Ambry Genetics
Classification: Likely benign for Hereditary cancer-predisposing syndrome. Last evaluated: 2019-08-21. Review status: criteria provided, single submitter. Criteria: Ambry Variant Classification Scheme 2023. Collection method: clinical testing. Allele origin: germline.

Color Diagnostics, LLC DBA Color Health
Classification: Likely benign for Hereditary cancer-predisposing syndrome. Last evaluated: 2018-11-28. Review status: criteria provided, single submitter. Criteria: ACMG Guidelines, 2015. Collection method: clinical testing. Allele origin: germline.